The following is an entry in ClinVar:

NM_001009944.3(PKD1):c.11308_11312dup (p.Ala3773fs)

Genes: PKD1 (polycystin 1, transient receptor potential channel interacting; minus strand), PKD1-AS1 (PKD1 antisense RNA 1; plus strand). Cytogenetic location: 16p13.3.
Variant type: Duplication.
Coding change: c.11308_11312dup on transcript NM_001009944.3 (MANE Select); coding-DNA positions 11308 to 11312, 5 bases duplicated (TGCTC; older notation c.11308_11312dupTGCTC).
Protein change: p.Ala3773fs; shifts the reading frame from alanine 3773.
Molecular consequence: frameshift variant.
Genome position (GRCh38, 1-based): chr16:2,092,146-2,092,150, GAGCA duplicated on the plus strand (TGCTC on the coding strand, the reverse complement: PKD1 is on the minus strand). VCF-style (leftmost placement, unchanged base first): chr16-2092145-C-CGAGCA. GRCh37 (hg19) VCF-style: chr16-2142146-C-CGAGCA.
Other names: c.11308_11312dup5 (NM_001009944.2); c.11305_11309dup, p.Ala3772fs (NM_000296.4); short protein forms A3773fs, A3772fs.
Identifiers: ClinVar variation 3578948 (VCV003578948.2).
Genomic context (GRCh38, chr16:2,092,145, plus strand): 5'-GCCATTGTGAGGACTCTCCCAGCCAACGTCGTAATCGCTGGTGCTGAAGCCTCCTGCGGC[C>CGAGCA]GAGCACGTGTGGACCCTGGGGCCGGGAGGGTCTGGGTAGAGTGCTGAAACACACAGAGCC-3'

ClinVar aggregate classification (germline): Pathogenic/Likely pathogenic. Review status: criteria provided, multiple submitters, no conflicts (2 of 4 stars). 2 submissions from 2 submitters: Pathogenic (1); Likely pathogenic (1). Last evaluated 2025-10-21.

Conditions:
PKD1-related disorder. Also called: PKD1-related condition.
Polycystic kidney disease, adult type (PKD1). Also called: Polycystic Kidney Disease 1, Autosomal Dominant; Polycystic kidney disease 1; Polycystic kidney disease 1, severe; Polycystic Kidney, Autosomal Dominant; POLYCYSTIC KIDNEY DISEASE, ADULT, TYPE I; POLYCYSTIC KIDNEY DISEASE 1 WITH OR WITHOUT POLYCYSTIC LIVER DISEASE. Identifiers: MedGen C3149841, MONDO:0008263, OMIM 173900.

Submissions (2):

PreventionGenetics, part of Exact Sciences
Classification: Pathogenic for PKD1-related condition. Last evaluated: 2025-10-21. Review status: criteria provided, single submitter. Criteria: ACMG Guidelines, 2015. Collection method: clinical testing. Allele origin: germline.
Comment: The PKD1 c.11308_11312dup5 variant is predicted to result in a frameshift and premature protein termination (p.Ala3773Argfs*55). To our knowledge, this variant has not been reported in the literature or in a large population database (gnomAD), indicating this variant is rare. Frameshift variants in PKD1 are expected to be pathogenic. This variant is interpreted as pathogenic.

Fulgent Genetics
Classification: Likely pathogenic for Polycystic kidney disease, adult type. Last evaluated: 2024-03-27. Review status: criteria provided, single submitter. Criteria: ACMG Guidelines, 2015. Collection method: clinical testing. Allele origin: germline.